The following is an entry in ClinVar:

ClinVar aggregate classification (germline): Pathogenic (1 of 4 stars; one submission).

Conditions:
Hereditary cancer-predisposing syndrome. Also called: Tumor predisposition; Neoplastic Syndromes, Hereditary; Hereditary Cancer Syndrome; Hereditary neoplastic syndrome. Identifiers: Orphanet 140162, MedGen C0027672, MeSH D009386, MONDO:0015356.

Submission:

Labcorp Genetics (formerly Invitae), Labcorp
Classification: Pathogenic for Hereditary cancer-predisposing syndrome. Last evaluated: 2022-04-20. Review status: criteria provided, single submitter. Criteria: Invitae Variant Classification Sherloc (09022015). Collection method: clinical testing. Allele origin: germline.
Comment: This variant is not present in population databases (gnomAD no frequency). This sequence change creates a premature translational stop signal (p.Gln923Serfs*7) in the RAD50 gene. It is expected to result in an absent or disrupted protein product. Loss-of-function variants in RAD50 are known to be pathogenic (PMID: 19409520). This variant has not been reported in the literature in individuals affected with RAD50-related conditions. For these reasons, this variant has been classified as Pathogenic.

Literature cited by the submitters: PubMed 19409520.

NM_005732.4(RAD50):c.2767del (p.Gln923fs)

Gene: RAD50 (RAD50 double strand break repair protein; plus strand). Cytogenetic location: 5q31.1.
Variant type: Deletion.
Coding change: c.2767del on transcript NM_005732.4 (MANE Select); coding-DNA position 2767, one base deleted (C; older notation c.2767delC).
Protein change: p.Gln923fs; shifts the reading frame from glutamine 923.
Molecular consequence: frameshift variant.
Genome position (GRCh38, 1-based): chr5:132,608,663, C deleted; the last of 2 consecutive C bases (chr5:132,608,662-132,608,663); deleting either gives the same sequence. VCF-style (leftmost placement, unchanged base first): chr5-132608661-TC-T. GRCh37 (hg19) VCF-style: chr5-131944353-TC-T.
Other names: short protein forms Q923fs.
Identifiers: ClinVar variation 1455399 (VCV001455399.6), dbSNP rs2149849417, ClinGen allele CA446364249.